The following is an entry in ClinVar:

ClinVar aggregate classification (germline): Pathogenic (1 of 4 stars; one submission).

Conditions:
Marfan syndrome (MFS). Also called: MARFAN SYNDROME, TYPE I; Marfan syndrome type 1; Marfan's syndrome; Marfan syndrome, classic; FBN1-Related Marfan Syndrome. Identifiers: Orphanet 284963, Orphanet 558, MedGen C0024796, MONDO:0007947, OMIM 154700.
Familial thoracic aortic aneurysm and aortic dissection (TAAD). Also called: Thoracic aortic aneurysms and dissections. Identifiers: Orphanet 91387, MedGen C4707243, MONDO:0019625.

Submission:

Labcorp Genetics (formerly Invitae), Labcorp
Classification: Pathogenic for Marfan syndrome; Familial thoracic aortic aneurysm and aortic dissection. Last evaluated: 2021-05-05. Review status: criteria provided, single submitter. Criteria: Invitae Variant Classification Sherloc (09022015). Collection method: clinical testing. Allele origin: germline.
Comment: For these reasons, this variant has been classified as Pathogenic. Algorithms developed to predict the effect of sequence changes on RNA splicing suggest that this variant may disrupt the consensus splice site, but this prediction has not been confirmed by published transcriptional studies. This variant has been observed in individual(s) with clinical features of Marfan syndrome (PMID: 19293843, 24698609). This variant is not present in population databases (ExAC no frequency). This sequence change affects an acceptor splice site in intron 28 of the FBN1 gene. It is expected to disrupt RNA splicing. Variants that disrupt the donor or acceptor splice site typically lead to a loss of protein function (PMID: 16199547), and loss-of-function variants in FBN1 are known to be pathogenic (PMID: 17657824, 19293843).

Literature cited by the submitters: PubMed 19293843; PubMed 24698609; PubMed 16199547; PubMed 17657824.

NM_000138.5(FBN1):c.3464-1G>A

Gene: FBN1 (fibrillin 1; minus strand). Cytogenetic location: 15q21.1.
Variant type: single nucleotide variant.
Coding change: c.3464-1G>A on transcript NM_000138.5 (MANE Select); the canonical splice acceptor site of the intron before coding-DNA position 3464, G replaced by A.
Molecular consequence: splice acceptor variant.
Genome position (GRCh38, 1-based): chr15:48,487,201, C>T on the plus strand (G>A on the coding strand, the complement: FBN1 is on the minus strand). VCF-style: chr15-48487201-C-T. GRCh37 (hg19) VCF-style: chr15-48779398-C-T.
Other names: c.3464-1G>A (NM_001406716.1).
Identifiers: ClinVar variation 1451239 (VCV001451239.8), dbSNP rs2141293336, ClinGen allele CA392326046.